The following is an entry in ClinVar:

ClinVar aggregate classification (germline): Likely benign. Review status: criteria provided, multiple submitters, no conflicts (2 of 4 stars). 2 submissions from 2 submitters: Likely benign (2). Last evaluated 2025-05-11.

Conditions:
Dilated cardiomyopathy 1P (CMD1P). Identifiers: Orphanet 154, MedGen C1835928, MONDO:0012362, OMIM 609909.

Allele frequency attached by ClinVar (database versions not stated): gnomAD exomes 0.00001; TOPMed 0.00001; ExAC 0.00002.
gnomAD v4.1: 4 of 1,611,440 alleles (0.00025%); highest among the groups gnomAD compares: East Asian, 0.0067%; no homozygotes.

Submissions (2):

Labcorp Genetics (formerly Invitae), Labcorp
Classification: Likely benign for Dilated cardiomyopathy 1P. Last evaluated: 2025-05-11. Review status: criteria provided, single submitter. Criteria: Invitae Variant Classification Sherloc (09022015). Collection method: clinical testing. Allele origin: germline.

CeGaT Center for Human Genetics Tuebingen
Classification: Likely benign. Last evaluated: 2022-09-01. Review status: criteria provided, single submitter. Criteria: CeGaT Center For Human Genetics Tuebingen Variant Classification Criteria Version 2. Collection method: clinical testing. Allele origin: germline. Affected: yes. Observed: 1 variant allele.
Comment: PLN: BP4, BP7

NM_002667.5(PLN):c.69A>G (p.Gln23=)

Genes: CEP85L (centrosomal protein 85L; minus strand), PLN (phospholamban; plus strand). Cytogenetic location: 6q22.31.
Variant type: single nucleotide variant.
Coding change: c.69A>G on transcript NM_002667.5 (MANE Select); coding-DNA position 69, A replaced by G.
Protein change: p.Gln23=; no amino-acid change (glutamine 23 retained).
Molecular consequence: synonymous variant. On other transcripts: intron variant (3).
Genome position (GRCh38, 1-based): chr6:118,558,990, A>G. VCF-style: chr6-118558990-A-G. GRCh37 (hg19) VCF-style: chr6-118880153-A-G.
Other names: c.1029+6539T>C (NM_001178035.2); c.1020+6539T>C (NM_001042475.3, NM_206921.3).
Identifiers: ClinVar variation 2186050 (VCV002186050.28), dbSNP rs775923421, ClinGen allele CA3977973.